The following is an entry in ClinVar:

NM_001370694.2(ANO7):c.1299C>T (p.Tyr433=)

Gene: ANO7 (anoctamin 7; plus strand). Cytogenetic location: 2q37.3.
Variant type: single nucleotide variant.
Coding change: c.1299C>T on transcript NM_001370694.2 (MANE Select); coding-DNA position 1299, C replaced by T.
Protein change: p.Tyr433=; no amino-acid change (tyrosine 433 retained).
Molecular consequence: synonymous variant.
Genome position (GRCh38, 1-based): chr2:241,209,575, C>T. VCF-style: chr2-241209575-C-T. GRCh37 (hg19) VCF-style: chr2-242148990-C-T.
Other names: c.1461C>T, p.Tyr487= (NM_001001891.3).
Identifiers: ClinVar variation 2652111 (VCV002652111.24), dbSNP rs1194319748, ClinGen allele CA432238466.
Genomic context (GRCh38, chr2:241,209,575, plus strand): 5'-GTTTGCCGCCTCAGCCCCCATGACAGCCCCGAACCCCATCACGGGTGAGGACGAGCCCTA[C>T]TTCCCTGAGAGGAGCCGCGCGCGCCGCATGCTGGCCGGCTCTGTGGTGATCGTGGTGATG-3'
Protein context (NP_001357623.1, residues 423-443): PNPITGEDEP[Tyr433=]FPERSRARRM

ClinVar aggregate classification (germline): Likely benign (1 of 4 stars; one submission).

Allele frequency attached by ClinVar (database versions not stated): gnomAD 0.00001; TOPMed 0.00001.
gnomAD v4.1: 18 of 1,603,550 alleles (0.0011%); highest among the groups gnomAD compares: African/African-American, 0.019%; no homozygotes.

Submission:

CeGaT Center for Human Genetics Tuebingen
Classification: Likely benign. Last evaluated: 2022-06-01. Review status: criteria provided, single submitter. Criteria: CeGaT Center For Human Genetics Tuebingen Variant Classification Criteria Version 2. Collection method: clinical testing. Allele origin: germline. Affected: yes. Observed: 1 variant allele.
Comment: ANO7: BP4, BP7